The following is an entry in ClinVar:

ClinVar aggregate classification (germline): Uncertain significance (1 of 4 stars; one submission).

Allele frequency attached by ClinVar (database versions not stated): gnomAD 0.00003 and 0.00004; TOPMed 0.00005.

Submission:

Labcorp Genetics (formerly Invitae), Labcorp
Classification: Uncertain significance. Last evaluated: 2025-04-17. Review status: criteria provided, single submitter. Criteria: Invitae Variant Classification Sherloc (09022015). Collection method: clinical testing. Allele origin: germline.
Comment: This sequence change replaces glutamic acid, which is acidic and polar, with lysine, which is basic and polar, at codon 874 of the HYOU1 protein (p.Glu874Lys). This variant is present in population databases (rs370532873, gnomAD 0.004%). This variant has not been reported in the literature in individuals affected with HYOU1-related conditions. ClinVar contains an entry for this variant (Variation ID: 1355784). An algorithm developed to predict the effect of missense changes on protein structure and function (PolyPhen-2) suggests that this variant is likely to be tolerated. In summary, the available evidence is currently insufficient to determine the role of this variant in disease. Therefore, it has been classified as a Variant of Uncertain Significance.

NM_006389.5(HYOU1):c.2620G>A (p.Glu874Lys)

Gene: HYOU1 (hypoxia up-regulated 1; minus strand). Cytogenetic location: 11q23.3.
Variant type: single nucleotide variant.
Coding change: c.2620G>A on transcript NM_006389.5 (MANE Select); coding-DNA position 2620, G replaced by A.
Protein change: p.Glu874Lys; replaces glutamic acid 874 with lysine.
Molecular consequence: missense variant.
Genome position (GRCh38, 1-based): chr11:119,046,778, C>T on the plus strand (G>A on the coding strand, the complement: HYOU1 is on the minus strand). VCF-style: chr11-119046778-C-T. GRCh37 (hg19) VCF-style: chr11-118917490-C-T.
Other names: c.2620G>A, p.Glu874Lys (NM_001130991.3); short protein forms E874K.
Identifiers: ClinVar variation 1355784 (VCV001355784.8), dbSNP rs370532873, ClinGen allele CA229617126.
Genomic context (GRCh38, chr11:119,046,778, plus strand): 5'-TAGCTTCAATGTCTTTTGAGAGCAACACAGGCTTCTCTGTGGCGGGCAGCTTAGCCTGCT[C>T]GGCCAGAGTTGCATTCTTCCAGGCCTGTGGGTGAGACCAGGAGAGGCTCCAAGCTAGCCA-3'
Protein context (NP_006380.1, residues 864-884): TWAWKNATLA[Glu874Lys]QAKLPATEKP